The following is an entry in ClinVar:

ClinVar aggregate classification (germline): Uncertain significance (1 of 4 stars; one submission).

Allele frequency attached by ClinVar (database versions not stated): gnomAD 0.00001; gnomAD exomes 0.00001 and 0.00002; ExAC 0.00002; TOPMed 0.00002.
gnomAD v4.1: 11 of 1,613,920 alleles (0.00068%); highest among the groups gnomAD compares: East Asian, 0.0089%; no homozygotes.

Submission:

Labcorp Genetics (formerly Invitae), Labcorp
Classification: Uncertain significance. Last evaluated: 2022-07-12. Review status: criteria provided, single submitter. Criteria: Invitae Variant Classification Sherloc (09022015). Collection method: clinical testing. Allele origin: germline.
Comment: This sequence change replaces alanine, which is neutral and non-polar, with threonine, which is neutral and polar, at codon 122 of the RGS9 protein (p.Ala122Thr). This variant also falls at the last nucleotide of exon 5, which is part of the consensus splice site for this exon. In summary, the available evidence is currently insufficient to determine the role of this variant in disease. Therefore, it has been classified as a Variant of Uncertain Significance. Variants that disrupt the consensus splice site are a relatively common cause of aberrant splicing (PMID: 17576681, 9536098). Algorithms developed to predict the effect of sequence changes on RNA splicing suggest that this variant may create or strengthen a splice site. Algorithms developed to predict the effect of missense changes on protein structure and function are either unavailable or do not agree on the potential impact of this missense change (SIFT: "Deleterious"; PolyPhen-2: "Benign"; Align-GVGD: "Class C0"). ClinVar contains an entry for this variant (Variation ID: 1463516). This variant has not been reported in the literature in individuals affected with RGS9-related conditions. This variant is present in population databases (rs748276770, gnomAD 0.02%).

Literature cited by the submitters: PubMed 17576681; PubMed 9536098.

NM_003835.4(RGS9):c.364G>A (p.Ala122Thr)

Gene: RGS9 (regulator of G protein signaling 9; plus strand). Cytogenetic location: 17q24.1.
Variant type: single nucleotide variant.
Coding change: c.364G>A on transcript NM_003835.4 (MANE Select); coding-DNA position 364, G replaced by A.
Protein change: p.Ala122Thr; replaces alanine 122 with threonine.
Molecular consequence: missense variant.
Genome position (GRCh38, 1-based): chr17:65,160,587, G>A. VCF-style: chr17-65160587-G-A. GRCh37 (hg19) VCF-style: chr17-63156705-G-A.
Other names: c.364G>A, p.Ala122Thr (NM_001081955.3, NM_001165933.2); short protein forms A122T.
Identifiers: ClinVar variation 1463516 (VCV001463516.6), dbSNP rs748276770, ClinGen allele CA8717618.